The following is an entry in ClinVar:

ClinVar aggregate classification (germline): Uncertain significance (1 of 4 stars; one submission).

Conditions:
Hereditary cancer-predisposing syndrome. Also called: Hereditary Cancer Syndrome; Tumor predisposition; Hereditary neoplastic syndrome; Neoplastic Syndromes, Hereditary. Identifiers: Orphanet 140162, MedGen C0027672, MeSH D009386, MONDO:0015356.

Submission:

Ambry Genetics
Classification: Uncertain significance for Hereditary cancer-predisposing syndrome. Last evaluated: 2024-06-23. Review status: criteria provided, single submitter. Criteria: Ambry Variant Classification Scheme 2023. Collection method: clinical testing. Allele origin: germline.
Comment: The p.G623R variant (also known as c.1867G>A), located in coding exon 9 of the BARD1 gene, results from a G to A substitution at nucleotide position 1867. The glycine at codon 623 is replaced by arginine, an amino acid with dissimilar properties. This amino acid position is conserved. In addition, the in silico prediction for this alteration is inconclusive. Based on the available evidence, the clinical significance of this variant remains unclear.

NM_000465.4(BARD1):c.1867G>A (p.Gly623Arg)

Gene: BARD1 (BRCA1 associated RING domain 1; minus strand). Cytogenetic location: 2q35.
Variant type: single nucleotide variant.
Coding change: c.1867G>A on transcript NM_000465.4 (MANE Select); coding-DNA position 1867, G replaced by A.
Protein change: p.Gly623Arg; replaces glycine 623 with arginine.
Molecular consequence: missense variant. On other transcripts: non-coding transcript variant (3), intron variant (1).
Genome position (GRCh38, 1-based): chr2:214,745,103, C>T on the plus strand (G>A on the coding strand, the complement: BARD1 is on the minus strand). VCF-style: chr2-214745103-C-T. GRCh37 (hg19) VCF-style: chr2-215609827-C-T.
Other names: c.1810G>A, p.Gly604Arg (NM_001282543.2); c.514G>A, p.Gly172Arg (NM_001282545.2); c.457G>A, p.Gly153Arg (NM_001282548.2); c.365-14595G>A (NM_001282549.2); short protein forms G153R, G172R, G604R, G623R.
Identifiers: ClinVar variation 3260456 (VCV003260456.1).